The following is an entry in ClinVar:

ClinVar aggregate classification (germline): Uncertain significance. Review status: criteria provided, multiple submitters, no conflicts (2 of 4 stars). 2 submissions from 2 submitters: Uncertain significance (2). Last evaluated 2025-01-25.

Conditions:
POLD1-related polyposis and colorectal cancer syndrome (CRCS10). Also called: Colorectal cancer 10; Colorectal cancer, susceptibility to, 10; COLORECTAL CANCER, SUSCEPTIBILITY TO, ON CHROMOSOME 19q. Identifiers: Orphanet 220460, MedGen C2675481, MONDO:0012953, OMIM 612591.
Hereditary cancer-predisposing syndrome. Also called: Tumor predisposition; Hereditary Cancer Syndrome; Hereditary neoplastic syndrome; Neoplastic Syndromes, Hereditary. Identifiers: Orphanet 140162, MedGen C0027672, MeSH D009386, MONDO:0015356.

Submissions (2):

Ambry Genetics
Classification: Uncertain significance for Hereditary cancer-predisposing syndrome. Last evaluated: 2025-01-25. Review status: criteria provided, single submitter. Criteria: Ambry Variant Classification Scheme 2023. Collection method: clinical testing. Allele origin: germline.
Comment: The p.G483D variant (also known as c.1448G>A), located in coding exon 11 of the POLD1 gene, results from a G to A substitution at nucleotide position 1448. The glycine at codon 483 is replaced by aspartic acid, an amino acid with similar properties. This amino acid position is conserved. In addition, this alteration is predicted to be tolerated by in silico analysis. Based on the available evidence, the clinical significance of this variant remains unclear.

Labcorp Genetics (formerly Invitae), Labcorp
Classification: Uncertain significance for POLD1-related polyposis and colorectal cancer syndrome. Last evaluated: 2024-01-31. Review status: criteria provided, single submitter. Criteria: Invitae Variant Classification Sherloc (09022015). Collection method: clinical testing. Allele origin: germline.
Comment: This sequence change replaces glycine, which is neutral and non-polar, with aspartic acid, which is acidic and polar, at codon 483 of the POLD1 protein (p.Gly483Asp). This variant is not present in population databases (gnomAD no frequency). This variant has not been reported in the literature in individuals affected with POLD1-related conditions. Advanced modeling of protein sequence and biophysical properties (such as structural, functional, and spatial information, amino acid conservation, physicochemical variation, residue mobility, and thermodynamic stability) performed at Invitae indicates that this missense variant is not expected to disrupt POLD1 protein function with a negative predictive value of 80%. In summary, the available evidence is currently insufficient to determine the role of this variant in disease. Therefore, it has been classified as a Variant of Uncertain Significance.

NM_002691.4(POLD1):c.1448G>A (p.Gly483Asp)

Gene: POLD1 (DNA polymerase delta 1, catalytic subunit; plus strand). Cytogenetic location: 19q13.33.
Variant type: single nucleotide variant.
Coding change: c.1448G>A on transcript NM_002691.4 (MANE Select); coding-DNA position 1448, G replaced by A.
Protein change: p.Gly483Asp; replaces glycine 483 with aspartic acid.
Molecular consequence: missense variant. On other transcripts: non-coding transcript variant (1).
Genome position (GRCh38, 1-based): chr19:50,406,471, G>A. VCF-style: chr19-50406471-G-A. GRCh37 (hg19) VCF-style: chr19-50909728-G-A.
Other names: c.1448G>A, p.Gly483Asp (NM_001256849.1, NM_001308632.1); c.1448G>A (NM_002691.2); short protein forms G483D.
Identifiers: ClinVar variation 2714304 (VCV002714304.4), dbSNP rs2513995033, ClinGen allele CA406980222.